The following is an entry in ClinVar:

NM_002335.4(LRP5):c.3298G>A (p.Gly1100Ser)

Gene: LRP5 (LDL receptor related protein 5; plus strand). Cytogenetic location: 11q13.2.
Variant type: single nucleotide variant.
Coding change: c.3298G>A on transcript NM_002335.4 (MANE Select); coding-DNA position 3298, G replaced by A.
Protein change: p.Gly1100Ser; replaces glycine 1100 with serine.
Molecular consequence: missense variant.
Genome position (GRCh38, 1-based): chr11:68,425,163, G>A. VCF-style: chr11-68425163-G-A. GRCh37 (hg19) VCF-style: chr11-68192631-G-A.
Other names: c.1555G>A, p.Gly519Ser (NM_001291902.2); short protein forms G1100S, G519S.
Identifiers: ClinVar variation 992381 (VCV000992381.10), dbSNP rs770787447, ClinGen allele CA6149940.

ClinVar aggregate classification (germline): Uncertain significance. Review status: criteria provided, multiple submitters, no conflicts (2 of 4 stars). 5 submissions from 5 submitters: Uncertain significance (4). 1 of the submissions does not count toward it. Last evaluated 2024-11-19.

Conditions:
Worth disease. Also called: Autosomal dominant osteosclerosis, Worth type; OSTEOSCLEROSIS, AUTOSOMAL DOMINANT; ENDOSTEAL HYPEROSTOSIS, AUTOSOMAL DOMINANT. Identifiers: Orphanet 2790, MedGen C0432273, MONDO:0007764, OMIM 144750.
Exudative vitreoretinopathy 4 (EVR4). Identifiers: Orphanet 891, MedGen C1866176, MONDO:0011151, OMIM 601813.
Bone mineral density quantitative trait locus 1 (BMND1). Identifiers: MedGen C1866079, OMIM 601884.
Polycystic liver disease 4 with or without kidney cysts. Identifiers: MedGen C4693479, MONDO:0044327, OMIM 617875.
Osteoporosis with pseudoglioma (OPPG). Also called: osteoporosis-pseudoglioma syndrome. Identifiers: Orphanet 2788, MedGen C0432252, MONDO:0009820, OMIM 259770.
Autosomal dominant osteopetrosis 1 (OPTA1). Also called: OSTEOPETROSIS, AUTOSOMAL DOMINANT, TYPE I. Identifiers: Orphanet 2783, MedGen C1843330, MONDO:0011877, OMIM 607634.

Allele frequency attached by ClinVar (database versions not stated): gnomAD 0.00001; gnomAD exomes 0.00001; ExAC 0.00002; TOPMed 0.00006.
gnomAD v4.1: 12 of 1,613,612 alleles (0.00074%); highest among the groups gnomAD compares: African/African-American, 0.0067%; no homozygotes.

Submissions (5):

Labcorp Genetics (formerly Invitae), Labcorp
Classification: Uncertain significance. Last evaluated: 2024-11-19. Review status: criteria provided, single submitter. Criteria: Invitae Variant Classification Sherloc (09022015). Collection method: clinical testing. Allele origin: germline.
Comment: This sequence change replaces glycine, which is neutral and non-polar, with serine, which is neutral and polar, at codon 1100 of the LRP5 protein (p.Gly1100Ser). This variant is present in population databases (rs770787447, gnomAD 0.01%). This variant has not been reported in the literature in individuals affected with LRP5-related conditions. ClinVar contains an entry for this variant (Variation ID: 992381). Invitae Evidence Modeling of protein sequence and biophysical properties (such as structural, functional, and spatial information, amino acid conservation, physicochemical variation, residue mobility, and thermodynamic stability) has been performed for this missense variant. However, the output from this modeling did not meet the statistical confidence thresholds required to predict the impact of this variant on LRP5 protein function. In summary, the available evidence is currently insufficient to determine the role of this variant in disease. Therefore, it has been classified as a Variant of Uncertain Significance.

Blueprint Genetics
Classification: Uncertain significance. Last evaluated: 2024-06-24. Review status: criteria provided, single submitter. Criteria: ACMG Guidelines, 2015. Collection method: clinical testing. Allele origin: germline.

Fulgent Genetics
Classification: Uncertain significance for Worth disease; Osteoporosis with pseudoglioma; Exudative vitreoretinopathy 4; Bone mineral density quantitative trait locus 1; Autosomal dominant osteopetrosis 1; Polycystic liver disease 4 with or without kidney cysts. Last evaluated: 2024-05-23. Review status: criteria provided, single submitter. Criteria: ACMG Guidelines, 2015. Collection method: clinical testing. Allele origin: germline.

Johns Hopkins Genomics, Johns Hopkins University
Classification: Uncertain significance for Polycystic liver disease 4 with or without kidney cysts. Last evaluated: 2024-04-25. Review status: criteria provided, single submitter. Criteria: ACMG Guidelines, 2015. Collection method: clinical testing. Allele origin: germline.
Comment: This LRP5 missense variant (rs770787447) is rare (<0.1%) in a large population dataset (gnomAD v4.1.0: 12/1613612 total alleles; 0.0007%; no homozygotes). It has been reported in ClinVar (Variation ID 992381), but has not been reported in the literature, to our knowledge. Two bioinformatic tools queried predict that this substitution would be damaging, and the glycine residue at this position is evolutionarily conserved across all of the species assessed. We consider the clinical significance of c.3298G>A in LRP5 to be uncertain at this time.

Bioscientia Institut fuer Medizinische Diagnostik GmbH, Sonic Healthcare
Classification: Uncertain significance for Polycystic liver disease 4 with or without kidney cysts. Last evaluated: 2019-12-16. Review status: no assertion criteria provided. Collection method: clinical testing. Allele origin: germline. Affected: yes. Not counted in ClinVar's aggregate classification.

Literature cited by the submitters: PubMed 24706814 (cited by Johns Hopkins Genomics, Johns Hopkins University).